The following is an entry in ClinVar:

ClinVar aggregate classification (germline): Uncertain significance. Review status: criteria provided, multiple submitters, no conflicts (2 of 4 stars). 3 submissions from 3 submitters: Uncertain significance (3). Last evaluated 2025-01-14.

Conditions:
Ehlers-Danlos syndrome, classic type, 1 (EDSCL1). Also called: EDS I; EHLERS-DANLOS SYNDROME, GRAVIS TYPE; EHLERS-DANLOS SYNDROME, SEVERE CLASSIC TYPE; Ehlers-Danlos syndrome, type 1; Ehlers-Danlos Syndrome, Classic Type, COL5A1-Related. Identifiers: MedGen C0268335, MONDO:0019567, OMIM 130000.
Familial thoracic aortic aneurysm and aortic dissection (TAAD). Also called: Thoracic aortic aneurysms and dissections. Identifiers: Orphanet 91387, MedGen C4707243, MONDO:0019625.

gnomAD v4.1: 16 of 1,611,506 alleles (0.00099%); highest among the groups gnomAD compares: Non-Finnish European, 0.0012%; no homozygotes.

Submissions (3):

Labcorp Genetics (formerly Invitae), Labcorp
Classification: Uncertain significance for Ehlers-Danlos syndrome, classic type, 1. Last evaluated: 2025-01-14. Review status: criteria provided, single submitter. Criteria: Invitae Variant Classification Sherloc (09022015). Collection method: clinical testing. Allele origin: germline.
Comment: This sequence change replaces alanine, which is neutral and non-polar, with serine, which is neutral and polar, at codon 1398 of the COL5A1 protein (p.Ala1398Ser). This variant is not present in population databases (gnomAD no frequency). This variant has not been reported in the literature in individuals affected with COL5A1-related conditions. ClinVar contains an entry for this variant (Variation ID: 409123). Invitae Evidence Modeling of protein sequence and biophysical properties (such as structural, functional, and spatial information, amino acid conservation, physicochemical variation, residue mobility, and thermodynamic stability) indicates that this missense variant is not expected to disrupt COL5A1 protein function with a negative predictive value of 95%. In summary, the available evidence is currently insufficient to determine the role of this variant in disease. Therefore, it has been classified as a Variant of Uncertain Significance.

Ambry Genetics
Classification: Uncertain significance for Familial thoracic aortic aneurysm and aortic dissection. Last evaluated: 2024-10-29. Review status: criteria provided, single submitter. Criteria: Ambry Variant Classification Scheme 2023. Collection method: clinical testing. Allele origin: germline.
Comment: The p.A1398S variant (also known as c.4192G>T), located in coding exon 54 of the COL5A1 gene, results from a G to T substitution at nucleotide position 4192. The alanine at codon 1398 is replaced by serine, an amino acid with similar properties. This amino acid position is well conserved in available vertebrate species. In addition, this alteration is predicted to be tolerated by in silico analysis. Based on the available evidence, the clinical significance of this variant remains unclear.

Blueprint Genetics
Classification: Uncertain significance. Last evaluated: 2022-01-11. Review status: criteria provided, single submitter. Criteria: ACMG Guidelines, 2015. Collection method: clinical testing. Allele origin: germline.

NM_000093.5(COL5A1):c.4192G>T (p.Ala1398Ser)

Gene: COL5A1 (collagen type V alpha 1 chain; plus strand). Cytogenetic location: 9q34.3.
Variant type: single nucleotide variant.
Coding change: c.4192G>T on transcript NM_000093.5 (MANE Select); coding-DNA position 4192, G replaced by T.
Protein change: p.Ala1398Ser; replaces alanine 1398 with serine.
Molecular consequence: missense variant.
Genome position (GRCh38, 1-based): chr9:134,817,793, G>T. VCF-style: chr9-134817793-G-T. GRCh37 (hg19) VCF-style: chr9-137709639-G-T.
Other names: c.4192G>T, p.Ala1398Ser (NM_001278074.1); c.4192G>T (NM_000093.3); short protein forms A1398S.
Identifiers: ClinVar variation 409123 (VCV000409123.14), dbSNP rs759464073, ClinGen allele CA16612682.
Genomic context (GRCh38, chr9:134,817,793, plus strand): 5'-CCTGCAGGCCACACTCACCACCTGCTGTTCTCTTGCTTCTTTCAGGGTCCCCCAGGCCCC[G>T]CAGGCCCCGAAGGCAGACAGGGAGAGAAAGGGGCCAAGGTAACGTGTTTTGGAGCCAGGC-3'
Protein context (NP_000084.3, residues 1388-1408): PPGKRGPPGP[Ala1398Ser]GPEGRQGEKG